The following is an entry in ClinVar:

ClinVar aggregate classification (germline): Uncertain significance. Review status: criteria provided, multiple submitters, no conflicts (2 of 4 stars). 2 submissions from 2 submitters: Uncertain significance (2). Last evaluated 2024-10-16.

Conditions:
Nephronophthisis. Also called: Juvenile Nephronophthisis. Identifiers: Orphanet 655, MedGen C0687120, MONDO:0019005, HP:0000090.
Nephronophthisis 4 (NPHP4). Also called: NEPHRONOPHTHISIS 4, JUVENILE. Identifiers: Orphanet 655, MedGen C1847013, MONDO:0011752, OMIM 606966.
Senior-Loken syndrome 4 (SLSN4). Identifiers: Orphanet 3156, MedGen C1846979, MONDO:0011756, OMIM 606996.

gnomAD v4.1: 28 of 1,613,410 alleles (0.0017%); highest among the groups gnomAD compares: Middle Eastern, 0.016%; no homozygotes.

Submissions (2):

Labcorp Genetics (formerly Invitae), Labcorp
Classification: Uncertain significance for Nephronophthisis. Last evaluated: 2024-10-16. Review status: criteria provided, single submitter. Criteria: Invitae Variant Classification Sherloc (09022015). Collection method: clinical testing. Allele origin: germline.
Comment: This sequence change replaces threonine, which is neutral and polar, with methionine, which is neutral and non-polar, at codon 459 of the NPHP4 protein (p.Thr459Met). This variant is present in population databases (rs371819898, gnomAD 0.006%). This variant has not been reported in the literature in individuals affected with NPHP4-related conditions. ClinVar contains an entry for this variant (Variation ID: 1486600). Invitae Evidence Modeling of protein sequence and biophysical properties (such as structural, functional, and spatial information, amino acid conservation, physicochemical variation, residue mobility, and thermodynamic stability) indicates that this missense variant is not expected to disrupt NPHP4 protein function with a negative predictive value of 80%. In summary, the available evidence is currently insufficient to determine the role of this variant in disease. Therefore, it has been classified as a Variant of Uncertain Significance.

Fulgent Genetics
Classification: Uncertain significance for Nephronophthisis 4; Senior-Loken syndrome 4. Last evaluated: 2024-05-09. Review status: criteria provided, single submitter. Criteria: ACMG Guidelines, 2015. Collection method: clinical testing. Allele origin: germline.

NM_015102.5(NPHP4):c.1376C>T (p.Thr459Met)

Gene: NPHP4 (nephrocystin 4; minus strand). Cytogenetic location: 1p36.31.
Variant type: single nucleotide variant.
Coding change: c.1376C>T on transcript NM_015102.5 (MANE Select); coding-DNA position 1376, C replaced by T.
Protein change: p.Thr459Met; replaces threonine 459 with methionine.
Molecular consequence: missense variant. On other transcripts: non-coding transcript variant (1).
Genome position (GRCh38, 1-based): chr1:5,927,714, G>A on the plus strand (C>T on the coding strand, the complement: NPHP4 is on the minus strand). VCF-style: chr1-5927714-G-A. GRCh37 (hg19) VCF-style: chr1-5987774-G-A.
Other names: c.10C>T, p.Arg4Trp (NM_001291593.2, NM_001291594.2); short protein forms R4W, T459M.
Identifiers: ClinVar variation 1486600 (VCV001486600.6), dbSNP rs371819898, ClinGen allele CA554536.